The following is an entry in ClinVar:

ClinVar aggregate classification (germline): Uncertain significance (1 of 4 stars; one submission).

Conditions:
Hypoplastic left heart syndrome. Also called: Hypoplastic left ventricle; Hypoplastic left heart. Identifiers: Orphanet 2248, MedGen C0152101, MONDO:0004933, HP:0004383.

Submission:

Labcorp Genetics (formerly Invitae), Labcorp
Classification: Uncertain significance for Hypoplastic left heart syndrome. Last evaluated: 2025-10-20. Review status: criteria provided, single submitter. Criteria: Invitae Variant Classification Sherloc (09022015). Collection method: clinical testing. Allele origin: germline.
Comment: This sequence change replaces aspartic acid, which is acidic and polar, with glutamic acid, which is acidic and polar, at codon 148 of the HAND1 protein (p.Asp148Glu). This variant is present in population databases (no rsID available, gnomAD 0.003%). This variant has not been reported in the literature in individuals affected with HAND1-related conditions. ClinVar contains an entry for this variant (Variation ID: 3627595). An algorithm developed to predict the effect of missense changes on protein structure and function (PolyPhen-2) suggests that this variant is likely to be tolerated. In summary, the available evidence is currently insufficient to determine the role of this variant in disease. Therefore, it has been classified as a Variant of Uncertain Significance.

NM_004821.3(HAND1):c.444C>A (p.Asp148Glu)

Gene: HAND1 (heart and neural crest derivatives expressed 1; minus strand). Cytogenetic location: 5q33.2.
Variant type: single nucleotide variant.
Coding change: c.444C>A on transcript NM_004821.3 (MANE Select); coding-DNA position 444, C replaced by A.
Protein change: p.Asp148Glu; replaces aspartic acid 148 with glutamic acid.
Molecular consequence: missense variant.
Genome position (GRCh38, 1-based): chr5:154,477,565, G>T on the plus strand (C>A on the coding strand, the complement: HAND1 is on the minus strand). VCF-style: chr5-154477565-G-T. GRCh37 (hg19) VCF-style: chr5-153857125-G-T.
Other names: short protein forms D148E.
Identifiers: ClinVar variation 3627595 (VCV003627595.2).